The following is an entry in ClinVar:

NM_001129.5(AEBP1):c.1752C>T (p.Ile584=)

Gene: AEBP1 (AE binding protein 1; plus strand). Cytogenetic location: 7p13.
Variant type: single nucleotide variant.
Coding change: c.1752C>T on transcript NM_001129.5 (MANE Select); coding-DNA position 1752, C replaced by T.
Protein change: p.Ile584=; no amino-acid change (isoleucine 584 retained).
Molecular consequence: synonymous variant.
Genome position (GRCh38, 1-based): chr7:44,111,542, C>T. VCF-style: chr7-44111542-C-T. GRCh37 (hg19) VCF-style: chr7-44151141-C-T.
Other names: c.1752C>T (NM_001129.4).
Identifiers: ClinVar variation 2059969 (VCV002059969.7), dbSNP rs770936079, ClinGen allele CA4238002.

ClinVar aggregate classification (germline): Likely benign. Review status: criteria provided, multiple submitters, no conflicts (2 of 4 stars). 4 submissions from 4 submitters: Likely benign (4). Last evaluated 2026-01-19.

Conditions:
AEBP1-related disorder. Also called: AEBP1-related condition.

Allele frequency attached by ClinVar (database versions not stated): ExAC 0.00001; gnomAD exomes 0.00001; gnomAD 0.00002; TOPMed 0.00005.
gnomAD v4.1: 15 of 1,606,744 alleles (0.00093%); highest among the groups gnomAD compares: Admixed American, 0.0035%; no homozygotes.

Submissions (4):

Women's Health and Genetics/Laboratory Corporation of America, LabCorp
Classification: Likely benign. Last evaluated: 2026-01-19. Review status: criteria provided, single submitter. Criteria: LabCorp Variant Classification Summary - May 2015. Collection method: clinical testing. Allele origin: germline.

Labcorp Genetics (formerly Invitae), Labcorp
Classification: Likely benign. Last evaluated: 2026-01-18. Review status: criteria provided, single submitter. Criteria: Invitae Variant Classification Sherloc (09022015). Collection method: clinical testing. Allele origin: germline.

PreventionGenetics, part of Exact Sciences
Classification: Likely benign for AEBP1-related condition. Last evaluated: 2025-03-24. Review status: criteria provided, single submitter. Criteria: ACMG Guidelines, 2015. Collection method: clinical testing. Allele origin: germline.
Comment: This variant is classified as likely benign based on ACMG/AMP sequence variant interpretation guidelines (Richards et al. 2015 PMID: 25741868, with internal and published modifications).

Blueprint Genetics
Classification: Likely benign. Last evaluated: 2022-05-26. Review status: criteria provided, single submitter. Criteria: ACMG Guidelines, 2015. Collection method: clinical testing. Allele origin: germline.